The following is an entry in ClinVar:

ClinVar aggregate classification (germline): Benign (1 of 4 stars; one submission).

Allele frequency attached by ClinVar (database versions not stated): TOPMed 0.11679; 1000 Genomes Project 30x 0.11649; 1000 Genomes Project 0.12181.
gnomAD v4.1: 19,512 of 152,260 alleles (13%); highest among the groups gnomAD compares: South Asian, 23%; 1,415 homozygotes.

Submission:

GeneDx
Classification: Benign. Last evaluated: 2018-06-14. Review status: criteria provided, single submitter. Criteria: GeneDx Variant Classification (06012015). Collection method: clinical testing. Allele origin: germline. Affected: yes.
Comment: This variant is considered likely benign or benign based on one or more of the following criteria: it is a conservative change, it occurs at a poorly conserved position in the protein, it is predicted to be benign by multiple in silico algorithms, and/or has population frequency not consistent with disease.

NM_000209.4(PDX1):c.407-291G>A

Gene: PDX1 (pancreatic and duodenal homeobox 1; plus strand). Cytogenetic location: 13q12.2.
Variant type: single nucleotide variant.
Coding change: c.407-291G>A on transcript NM_000209.4 (MANE Select); 291 bases into the intron before coding-DNA position 407, G replaced by A.
Molecular consequence: intron variant.
Genome position (GRCh38, 1-based): chr13:27,923,965, G>A. VCF-style: chr13-27923965-G-A. GRCh37 (hg19) VCF-style: chr13-28498102-G-A.
Identifiers: ClinVar variation 669787 (VCV000669787.1), dbSNP rs73169687, ClinGen allele CA13827837.